The following is an entry in ClinVar:

ClinVar aggregate classification (germline): Likely benign. Review status: criteria provided, multiple submitters, no conflicts (2 of 4 stars). 2 submissions from 2 submitters: Likely benign (2). Last evaluated 2025-07-07.

Conditions:
Neuronal ceroid lipofuscinosis 7 (CLN7). Also called: MFSD8-Related Neuronal Ceroid-Lipofuscinosis. Identifiers: Orphanet 168491, Orphanet 228366, MedGen C1838571, MONDO:0012588, OMIM 610951.

Allele frequency attached by ClinVar (database versions not stated): gnomAD exomes below 0.00001; gnomAD 0.00001; TOPMed 0.00007.
gnomAD v4.1: 6 of 1,613,350 alleles (0.00037%); highest among the groups gnomAD compares: African/African-American, 0.004%; no homozygotes.

Submissions (2):

Labcorp Genetics (formerly Invitae), Labcorp
Classification: Likely benign for Neuronal ceroid lipofuscinosis 7. Last evaluated: 2025-07-07. Review status: criteria provided, single submitter. Criteria: Invitae Variant Classification Sherloc (09022015). Collection method: clinical testing. Allele origin: germline.

GeneDx
Classification: Likely benign. Last evaluated: 2016-01-15. Review status: criteria provided, single submitter. Criteria: GeneDx Variant Classification (06012015). Collection method: clinical testing. Allele origin: germline. Affected: yes.
Comment: This variant is considered likely benign or benign based on one or more of the following criteria: it is a conservative change, it occurs at a poorly conserved position in the protein, it is predicted to be benign by multiple in silico algorithms, and/or has population frequency not consistent with disease.

NM_001371596.2(MFSD8):c.544C>T (p.Leu182=)

Gene: MFSD8 (major facilitator superfamily domain containing 8; minus strand). Cytogenetic location: 4q28.2.
Variant type: single nucleotide variant.
Coding change: c.544C>T on transcript NM_001371596.2 (MANE Select); coding-DNA position 544, C replaced by T.
Protein change: p.Leu182=; no amino-acid change (leucine 182 retained).
Molecular consequence: synonymous variant. On other transcripts: intron variant (4).
Genome position (GRCh38, 1-based): chr4:127,942,054, G>A on the plus strand (C>T on the coding strand, the complement: MFSD8 is on the minus strand). VCF-style: chr4-127942054-G-A. GRCh37 (hg19) VCF-style: chr4-128863209-G-A.
Other names: c.544C>T, p.Leu182= (NM_001363520.3, NM_001371591.2, NM_001371592.2 and 2 more transcripts); c.409C>T, p.Leu137= (NM_001371590.2, NM_001371595.1); c.304+1698C>T (NM_001410765.1); c.439+1698C>T (NM_001363521.3, NM_001410766.1, NM_001371593.2).
Identifiers: ClinVar variation 382884 (VCV000382884.9), dbSNP rs929058333, ClinGen allele CA16604699.